The following is an entry in ClinVar:

ClinVar aggregate classification (germline): Uncertain significance (1 of 4 stars; one submission).

Conditions:
Autosomal recessive limb-girdle muscular dystrophy type 2F (LGMDR6). Also called: Muscular dystrophy limb-girdle with delta-sarcoglyan deficiency; MUSCULAR DYSTROPHY, LIMB-GIRDLE, AUTOSOMAL RECESSIVE 6. Identifiers: Orphanet 219, MedGen C1832525, MONDO:0011028, OMIM 601287. Disease mechanism: Affects gamma-sarcoglycan and also disrupts the integrity of the entire sarcoglycan complex..

Submission:

Labcorp Genetics (formerly Invitae), Labcorp
Classification: Uncertain significance for Autosomal recessive limb-girdle muscular dystrophy type 2F. Last evaluated: 2020-10-08. Review status: criteria provided, single submitter. Criteria: Invitae Variant Classification Sherloc (09022015). Collection method: clinical testing. Allele origin: germline.
Comment: In summary, the available evidence is currently insufficient to determine the role of this variant in disease. Therefore, it has been classified as a Variant of Uncertain Significance. Algorithms developed to predict the effect of missense changes on protein structure and function (SIFT, PolyPhen-2, Align-GVGD) all suggest that this variant is likely to be tolerated, but these predictions have not been confirmed by published functional studies and their clinical significance is uncertain. This variant has not been reported in the literature in individuals with SGCD-related conditions. This variant is not present in population databases (ExAC no frequency). This sequence change replaces lysine with asparagine at codon 138 of the SGCD protein (p.Lys138Asn). The lysine residue is weakly conserved and there is a moderate physicochemical difference between lysine and asparagine.

NM_000337.6(SGCD):c.414A>T (p.Lys138Asn)

Gene: SGCD (sarcoglycan delta; plus strand). Cytogenetic location: 5q33.3.
Variant type: single nucleotide variant.
Coding change: c.414A>T on transcript NM_000337.6 (MANE Select); coding-DNA position 414, A replaced by T.
Protein change: p.Lys138Asn; replaces lysine 138 with asparagine.
Molecular consequence: missense variant.
Genome position (GRCh38, 1-based): chr5:156,594,963, A>T. VCF-style: chr5-156594963-A-T. GRCh37 (hg19) VCF-style: chr5-156021973-A-T.
Other names: c.411A>T, p.Lys137Asn (NM_001128209.2); c.414A>T, p.Lys138Asn (NM_172244.3); short protein forms K137N, K138N.
Identifiers: ClinVar variation 1007737 (VCV001007737.9), dbSNP rs1760869467, ClinGen allele CA362010380.